The following is an entry in ClinVar:

NM_005027.4(PIK3R2):c.1786G>C (p.Gly596Arg)

Genes: PIK3R2 (phosphoinositide-3-kinase regulatory subunit 2; plus strand), LOC130063980 (ATAC-STARR-seq lymphoblastoid active region 14302; plus strand). Cytogenetic location: 19p13.11.
Variant type: single nucleotide variant.
Coding change: c.1786G>C on transcript NM_005027.4 (MANE Select); coding-DNA position 1786, G replaced by C.
Protein change: p.Gly596Arg; replaces glycine 596 with arginine.
Molecular consequence: missense variant. On other transcripts: non-coding transcript variant (2).
Genome position (GRCh38, 1-based): chr19:18,168,524, G>C. VCF-style: chr19-18168524-G-C. GRCh37 (hg19) VCF-style: chr19-18279334-G-C.
Other names: short protein forms G596R.
Identifiers: ClinVar variation 4746073 (VCV004746073.1).

ClinVar aggregate classification (germline): Uncertain significance (1 of 4 stars; one submission).

Conditions:
Megalencephaly-polymicrogyria-postaxial polydactyly-hydrocephalus syndrome. Also called: MEG-PMG-MEGACC SYNDROME; MPPH Syndrome. Identifiers: Orphanet 83473, MedGen C1863924, MONDO:0019375.

Submission:

Labcorp Genetics (formerly Invitae), Labcorp
Classification: Uncertain significance for Megalencephaly-polymicrogyria-postaxial polydactyly-hydrocephalus syndrome. Last evaluated: 2025-04-27. Review status: criteria provided, single submitter. Criteria: Invitae Variant Classification Sherloc (09022015). Collection method: clinical testing. Allele origin: germline.
Comment: This sequence change replaces glycine, which is neutral and non-polar, with arginine, which is basic and polar, at codon 596 of the PIK3R2 protein (p.Gly596Arg). This variant is not present in population databases (gnomAD no frequency). This variant has not been reported in the literature in individuals affected with PIK3R2-related conditions. Invitae Evidence Modeling of protein sequence and biophysical properties (such as structural, functional, and spatial information, amino acid conservation, physicochemical variation, residue mobility, and thermodynamic stability) indicates that this missense variant is not expected to disrupt PIK3R2 protein function with a negative predictive value of 80%. In summary, the available evidence is currently insufficient to determine the role of this variant in disease. Therefore, it has been classified as a Variant of Uncertain Significance.